The following is an entry in ClinVar:

NM_001567.4(INPPL1):c.2384A>G (p.Lys795Arg)

Gene: INPPL1 (inositol polyphosphate phosphatase like 1; plus strand). Cytogenetic location: 11q13.4.
Variant type: single nucleotide variant.
Coding change: c.2384A>G on transcript NM_001567.4 (MANE Select); coding-DNA position 2384, A replaced by G.
Protein change: p.Lys795Arg; replaces lysine 795 with arginine.
Molecular consequence: missense variant.
Genome position (GRCh38, 1-based): chr11:72,234,584, A>G. VCF-style: chr11-72234584-A-G. GRCh37 (hg19) VCF-style: chr11-71945628-A-G.
Other names: short protein forms K795R.
Identifiers: ClinVar variation 1015247 (VCV001015247.8), dbSNP rs1471973596, ClinGen allele CA381734501.

ClinVar aggregate classification (germline): Uncertain significance (1 of 4 stars; one submission).

Allele frequency attached by ClinVar (database versions not stated): TOPMed below 0.00001; gnomAD exomes 0.00002.
gnomAD v4.1: 6 of 1,613,920 alleles (0.00037%); highest among the groups gnomAD compares: Admixed American, 0.01%; no homozygotes.

Submission:

Labcorp Genetics (formerly Invitae), Labcorp
Classification: Uncertain significance. Last evaluated: 2024-02-17. Review status: criteria provided, single submitter. Criteria: Invitae Variant Classification Sherloc (09022015). Collection method: clinical testing. Allele origin: germline.
Comment: This sequence change replaces lysine, which is basic and polar, with arginine, which is basic and polar, at codon 795 of the INPPL1 protein (p.Lys795Arg). This variant is present in population databases (no rsID available, gnomAD 0.01%). This variant has not been reported in the literature in individuals affected with INPPL1-related conditions. ClinVar contains an entry for this variant (Variation ID: 1015247). An algorithm developed to predict the effect of missense changes on protein structure and function (PolyPhen-2) suggests that this variant is likely to be tolerated. In summary, the available evidence is currently insufficient to determine the role of this variant in disease. Therefore, it has been classified as a Variant of Uncertain Significance.